The following is an entry in ClinVar:

ClinVar aggregate classification (germline): Uncertain significance (1 of 4 stars; one submission).

Submission:

GeneDx
Classification: Uncertain significance. Last evaluated: 2023-04-13. Review status: criteria provided, single submitter. Criteria: GeneDx Variant Classification Process June 2021. Collection method: clinical testing. Allele origin: germline. Affected: yes.
Comment: In-frame deletion of 2 amino acids in a non-repeat region; Not observed at significant frequency in large population cohorts (gnomAD); In silico analysis supports a deleterious effect on protein structure/function; Has not been previously published as pathogenic or benign to our knowledge

NM_004818.3(DDX23):c.1307_1312del (p.Glu436_Thr437del)

Gene: DDX23 (DEAD-box helicase 23; minus strand). Cytogenetic location: 12q13.12.
Variant type: Deletion.
Coding change: c.1307_1312del on transcript NM_004818.3 (MANE Select); coding-DNA positions 1307 to 1312, 6 bases deleted (AGACTG; older notation c.1307_1312delAGACTG).
Protein change: p.Glu436_Thr437del.
Molecular consequence: inframe deletion.
Genome position (GRCh38, 1-based): chr12:48,836,191-48,836,196, CAGTCT deleted on the plus strand (AGACTG on the coding strand, the reverse complement: DDX23 is on the minus strand); deleting any 6 consecutive bases within chr12:48,836,191-48,836,199 gives the same sequence; the c. name uses the placement nearest the transcript's 3' end. VCF-style (leftmost placement, unchanged base first): chr12-48836190-CCAGTCT-C. GRCh37 (hg19) VCF-style: chr12-49229973-CCAGTCT-C.
Identifiers: ClinVar variation 2663207 (VCV002663207.1), dbSNP rs2498753602, ClinGen allele CA2695199076.